The following is an entry in ClinVar:

ClinVar aggregate classification (germline): Uncertain significance. Review status: criteria provided, multiple submitters, no conflicts (2 of 4 stars). 2 submissions from 2 submitters: Uncertain significance (2). Last evaluated 2024-05-10.

Allele frequency attached by ClinVar (database versions not stated): gnomAD exomes 0.00002; ExAC 0.00004.
gnomAD v4.1: 25 of 1,612,870 alleles (0.0016%); highest among the groups gnomAD compares: South Asian, 0.028%; no homozygotes.

Submissions (2):

Labcorp Genetics (formerly Invitae), Labcorp
Classification: Uncertain significance. Last evaluated: 2024-05-10. Review status: criteria provided, single submitter. Criteria: Invitae Variant Classification Sherloc (09022015). Collection method: clinical testing. Allele origin: germline.
Comment: This sequence change replaces isoleucine, which is neutral and non-polar, with threonine, which is neutral and polar, at codon 858 of the PITPNM3 protein (p.Ile858Thr). This variant is present in population databases (rs763844885, gnomAD 0.03%). This variant has not been reported in the literature in individuals affected with PITPNM3-related conditions. ClinVar contains an entry for this variant (Variation ID: 2153363). Advanced modeling of protein sequence and biophysical properties (such as structural, functional, and spatial information, amino acid conservation, physicochemical variation, residue mobility, and thermodynamic stability) performed at Invitae indicates that this missense variant is not expected to disrupt PITPNM3 protein function with a negative predictive value of 80%. In summary, the available evidence is currently insufficient to determine the role of this variant in disease. Therefore, it has been classified as a Variant of Uncertain Significance.

Ambry Genetics
Classification: Uncertain significance. Last evaluated: 2021-08-10. Review status: criteria provided, single submitter. Criteria: Ambry Variant Classification Scheme 2023. Collection method: clinical testing. Allele origin: germline.

NM_031220.4(PITPNM3):c.2573T>C (p.Ile858Thr)

Gene: PITPNM3 (PITPNM family member 3; minus strand). Cytogenetic location: 17p13.2.
Variant type: single nucleotide variant.
Coding change: c.2573T>C on transcript NM_031220.4 (MANE Select); coding-DNA position 2573, T replaced by C.
Protein change: p.Ile858Thr; replaces isoleucine 858 with threonine.
Molecular consequence: missense variant.
Genome position (GRCh38, 1-based): chr17:6,457,640, A>G on the plus strand (T>C on the coding strand, the complement: PITPNM3 is on the minus strand). VCF-style: chr17-6457640-A-G. GRCh37 (hg19) VCF-style: chr17-6360960-A-G.
Other names: c.2465T>C, p.Ile822Thr (NM_001165966.2); c.2573T>C (NM_031220.3); short protein forms I858T, I822T.
Identifiers: ClinVar variation 2153363 (VCV002153363.5), dbSNP rs763844885, ClinGen allele CA8329132.